The following is an entry in ClinVar:

NM_024120.5(NDUFAF5):c.1034A>G (p.Gln345Arg)

Gene: NDUFAF5 (NADH:ubiquinone oxidoreductase complex assembly factor 5; plus strand). Cytogenetic location: 20p12.1.
Variant type: single nucleotide variant.
Coding change: c.1034A>G on transcript NM_024120.5 (MANE Select); coding-DNA position 1034, A replaced by G.
Protein change: p.Gln345Arg; replaces glutamine 345 with arginine.
Molecular consequence: missense variant. On other transcripts: non-coding transcript variant (7).
Genome position (GRCh38, 1-based): chr20:13,817,206, A>G. VCF-style: chr20-13817206-A-G. GRCh37 (hg19) VCF-style: chr20-13797852-A-G.
Other names: c.950A>G, p.Gln317Arg (NM_001039375.3); c.563A>G, p.Gln188Arg (NM_001352403.2); c.473A>G, p.Gln158Arg (NM_001352406.2, NM_001352407.2); short protein forms Q158R, Q345R, Q188R, Q317R.
Identifiers: ClinVar variation 2089696 (VCV002089696.4), dbSNP rs2516276486, ClinGen allele CA408275467.

ClinVar aggregate classification (germline): Uncertain significance (1 of 4 stars; one submission).

Submission:

Labcorp Genetics (formerly Invitae), Labcorp
Classification: Uncertain significance. Last evaluated: 2024-04-18. Review status: criteria provided, single submitter. Criteria: Invitae Variant Classification Sherloc (09022015). Collection method: clinical testing. Allele origin: germline.
Comment: This sequence change replaces glutamine, which is neutral and polar, with arginine, which is basic and polar, at codon 345 of the NDUFAF5 protein (p.Gln345Arg). This variant is not present in population databases (gnomAD no frequency). This variant has not been reported in the literature in individuals affected with NDUFAF5-related conditions. ClinVar contains an entry for this variant (Variation ID: 2089696). Advanced modeling of protein sequence and biophysical properties (such as structural, functional, and spatial information, amino acid conservation, physicochemical variation, residue mobility, and thermodynamic stability) performed at Invitae indicates that this missense variant is not expected to disrupt NDUFAF5 protein function with a negative predictive value of 80%. In summary, the available evidence is currently insufficient to determine the role of this variant in disease. Therefore, it has been classified as a Variant of Uncertain Significance.